The following is an entry in ClinVar:

NM_001370100.5(ZMYND11):c.8G>A (p.Arg3His)

Gene: ZMYND11 (zinc finger MYND-type containing 11; plus strand). Cytogenetic location: 10p15.3.
Variant type: single nucleotide variant.
Coding change: c.8G>A on transcript NM_001370100.5 (MANE Select); coding-DNA position 8, G replaced by A.
Protein change: p.Arg3His; replaces arginine 3 with histidine.
Molecular consequence: missense variant. On other transcripts: 5 prime UTR variant (3), non-coding transcript variant (1), intron variant (5).
Genome position (GRCh38, 1-based): chr10:180,020, G>A. VCF-style: chr10-180020-G-A. GRCh37 (hg19) VCF-style: chr10-225960-G-A.
Other names: c.8G>A, p.Arg3His (NM_001161482.1, NM_001202464.3, NM_001202465.3 and 25 more transcripts); c.-139G>A (NM_001330057.3, NM_001370112.2, NM_001370123.2); c.-4-29869G>A (NM_001370118.2, NM_001370121.2); c.51-29869G>A (NM_001370116.2, NM_001370120.2); c.-34+45128G>A (NM_001370124.3); short protein forms R3H.
Identifiers: ClinVar variation 2907981 (VCV002907981.11), dbSNP rs370081585, ClinGen allele CA5378829.

ClinVar aggregate classification (germline): Likely benign. Review status: criteria provided, multiple submitters, no conflicts (2 of 4 stars). 2 submissions from 2 submitters: Likely benign (2). Last evaluated 2026-09-01.

Allele frequency attached by ClinVar (database versions not stated): ExAC 0.00005; gnomAD 0.00006; TOPMed 0.00007; gnomAD exomes 0.00015; ESP Exome Variant Server 0.00039.
gnomAD v4.1: 219 of 1,612,632 alleles (0.014%); highest among the groups gnomAD compares: Non-Finnish European, 0.018%; no homozygotes.

Submissions (2):

CeGaT Center for Human Genetics Tuebingen
Classification: Likely benign. Last evaluated: 2026-09-01. Review status: criteria provided, single submitter. Criteria: CeGaT Center For Human Genetics Tuebingen Variant Classification Criteria Version 2. Collection method: clinical testing. Allele origin: germline. Affected: yes. Observed: 3 variant alleles.
Comment: ZMYND11: PP2, BS2

Labcorp Genetics (formerly Invitae), Labcorp
Classification: Likely benign. Last evaluated: 2025-07-21. Review status: criteria provided, single submitter. Criteria: Invitae Variant Classification Sherloc (09022015). Collection method: clinical testing. Allele origin: germline.